The following is an entry in ClinVar:

ClinVar aggregate classification (germline): Likely benign (1 of 4 stars; one submission).

Allele frequency attached by ClinVar (database versions not stated): 1000 Genomes Project 30x 0.00062; 1000 Genomes Project 0.00080; TOPMed 0.00104; gnomAD 0.00127; ESP Exome Variant Server 0.00161.
gnomAD v4.1: 1,930 of 1,614,154 alleles (0.12%); highest among the groups gnomAD compares: South Asian, 0.19%; 7 homozygotes.

Submission:

CeGaT Center for Human Genetics Tuebingen
Classification: Likely benign. Last evaluated: 2026-03-01. Review status: criteria provided, single submitter. Criteria: CeGaT Center For Human Genetics Tuebingen Variant Classification Criteria Version 2. Collection method: clinical testing. Allele origin: germline. Affected: yes. Observed: 10 variant alleles.
Comment: DCP1B: BP4, BP7

NM_152640.5(DCP1B):c.294T>G (p.Pro98=)

Genes: CACNA1C (calcium voltage-gated channel subunit alpha1 C; plus strand), DCP1B (decapping mRNA 1B; minus strand). Cytogenetic location: 12p13.33.
Variant type: single nucleotide variant.
Coding change: c.294T>G on transcript NM_152640.5 (MANE Select); coding-DNA position 294, T replaced by G.
Protein change: p.Pro98=; no amino-acid change (proline 98 retained).
Molecular consequence: synonymous variant. On other transcripts: non-coding transcript variant (1).
Genome position (GRCh38, 1-based): chr12:1,993,289, A>C on the plus strand (T>G on the coding strand, the complement: DCP1B is on the minus strand). VCF-style: chr12-1993289-A-C. GRCh37 (hg19) VCF-style: chr12-2102455-A-C.
Other names: c.294T>G, p.Pro98= (NM_001319292.2).
Identifiers: ClinVar variation 2570815 (VCV002570815.27), dbSNP rs150415068, ClinGen allele CA6388208.